The following is an entry in ClinVar:

NM_001042492.3(NF1):c.469A>T (p.Ile157Phe)

Gene: NF1 (neurofibromin 1; plus strand). Cytogenetic location: 17q11.2.
Variant type: single nucleotide variant.
Coding change: c.469A>T on transcript NM_001042492.3 (MANE Select); coding-DNA position 469, A replaced by T.
Protein change: p.Ile157Phe; replaces isoleucine 157 with phenylalanine.
Molecular consequence: missense variant.
Genome position (GRCh38, 1-based): chr17:31,163,366, A>T. VCF-style: chr17-31163366-A-T. GRCh37 (hg19) VCF-style: chr17-29490384-A-T.
Other names: c.469A>T, p.Ile157Phe (NM_000267.4, NM_001128147.3); short protein forms I157F.
Identifiers: ClinVar variation 4860892 (VCV004860892.1).

ClinVar aggregate classification (germline): Uncertain significance (1 of 4 stars; one submission).

Conditions:
Cardiovascular phenotype. Identifiers: MedGen CN230736.
Hereditary cancer-predisposing syndrome. Also called: Neoplastic Syndromes, Hereditary; Tumor predisposition; Hereditary Cancer Syndrome; Hereditary neoplastic syndrome. Identifiers: Orphanet 140162, MedGen C0027672, MeSH D009386, MONDO:0015356.

Submission:

Ambry Genetics
Classification: Uncertain significance for Cardiovascular phenotype; Hereditary cancer-predisposing syndrome. Last evaluated: 2026-04-01. Review status: criteria provided, single submitter. Criteria: Ambry Variant Classification Scheme 2023. Collection method: clinical testing. Allele origin: germline.
Comment: The p.I157F variant (also known as c.469A>T), located in coding exon 4 of the NF1 gene, results from an A to T substitution at nucleotide position 469. The isoleucine at codon 157 is replaced by phenylalanine, an amino acid with highly similar properties. This amino acid position is highly conserved in available vertebrate species. In addition, this alteration is predicted to be deleterious by in silico analysis. Based on the available evidence, the clinical significance of this variant remains unclear.